The following is an entry in ClinVar:

NM_004104.5(FASN):c.4240T>C (p.Phe1414Leu)

Gene: FASN (fatty acid synthase; minus strand). Cytogenetic location: 17q25.3.
Variant type: single nucleotide variant.
Coding change: c.4240T>C on transcript NM_004104.5 (MANE Select); coding-DNA position 4240, T replaced by C.
Protein change: p.Phe1414Leu; replaces phenylalanine 1414 with leucine.
Molecular consequence: missense variant.
Genome position (GRCh38, 1-based): chr17:82,085,285, A>G on the plus strand (T>C on the coding strand, the complement: FASN is on the minus strand). VCF-style: chr17-82085285-A-G. GRCh37 (hg19) VCF-style: chr17-80043161-A-G.
Other names: short protein forms F1414L.
Identifiers: ClinVar variation 1918370 (VCV001918370.5), dbSNP rs754795942, ClinGen allele CA8852144.

ClinVar aggregate classification (germline): Uncertain significance (1 of 4 stars; one submission).

Conditions:
Epileptic encephalopathy. Identifiers: MedGen C0543888, HP:0200134.

Allele frequency attached by ClinVar (database versions not stated): ExAC 0.00001; gnomAD exomes 0.00001.
gnomAD v4.1: 9 of 1,611,574 alleles (0.00056%); highest among the groups gnomAD compares: East Asian, 0.0022%; no homozygotes.

Submission:

Labcorp Genetics (formerly Invitae), Labcorp
Classification: Uncertain significance for Epileptic encephalopathy. Last evaluated: 2022-08-20. Review status: criteria provided, single submitter. Criteria: Invitae Variant Classification Sherloc (09022015). Collection method: clinical testing. Allele origin: germline.
Comment: This variant is present in population databases (rs754795942, gnomAD 0.006%). This sequence change replaces phenylalanine, which is neutral and non-polar, with leucine, which is neutral and non-polar, at codon 1414 of the FASN protein (p.Phe1414Leu). Algorithms developed to predict the effect of missense changes on protein structure and function output the following: SIFT: "Tolerated"; PolyPhen-2: "Benign"; Align-GVGD: "Class C0". The leucine amino acid residue is found in multiple mammalian species, which suggests that this missense change does not adversely affect protein function. This variant has not been reported in the literature in individuals affected with FASN-related conditions. In summary, the available evidence is currently insufficient to determine the role of this variant in disease. Therefore, it has been classified as a Variant of Uncertain Significance.